The following is an entry in ClinVar:

ClinVar aggregate classification (germline): Uncertain significance (1 of 4 stars; one submission).

Allele frequency attached by ClinVar (database versions not stated): gnomAD exomes below 0.00001; gnomAD 0.00001; TOPMed 0.00001.
gnomAD v4.1: 4 of 1,614,008 alleles (0.00025%); highest among the groups gnomAD compares: Non-Finnish European, 0.00034%; no homozygotes.

Submission:

Labcorp Genetics (formerly Invitae), Labcorp
Classification: Uncertain significance. Last evaluated: 2022-06-04. Review status: criteria provided, single submitter. Criteria: Invitae Variant Classification Sherloc (09022015). Collection method: clinical testing. Allele origin: germline.
Comment: This sequence change replaces valine, which is neutral and non-polar, with methionine, which is neutral and non-polar, at codon 223 of the TRAPPC9 protein (p.Val223Met). This variant is not present in population databases (gnomAD no frequency). This variant has not been reported in the literature in individuals affected with TRAPPC9-related conditions. Algorithms developed to predict the effect of missense changes on protein structure and function are either unavailable or do not agree on the potential impact of this missense change (SIFT: "Not Available"; PolyPhen-2: "Benign"; Align-GVGD: "Not Available"). In summary, the available evidence is currently insufficient to determine the role of this variant in disease. Therefore, it has been classified as a Variant of Uncertain Significance.

NM_001160372.4(TRAPPC9):c.373G>A (p.Val125Met)

Gene: TRAPPC9 (trafficking protein particle complex subunit 9; minus strand). Cytogenetic location: 8q24.3.
Variant type: single nucleotide variant.
Coding change: c.373G>A on transcript NM_001160372.4 (MANE Select); coding-DNA position 373, G replaced by A.
Protein change: p.Val125Met; replaces valine 125 with methionine.
Molecular consequence: missense variant. On other transcripts: non-coding transcript variant (1).
Genome position (GRCh38, 1-based): chr8:140,451,001, C>T on the plus strand (G>A on the coding strand, the complement: TRAPPC9 is on the minus strand). VCF-style: chr8-140451001-C-T. GRCh37 (hg19) VCF-style: chr8-141461100-C-T.
Other names: c.373G>A, p.Val125Met (NM_001321646.2, NM_001374682.1, NM_001374683.1 and 2 more transcripts); short protein forms V125M.
Identifiers: ClinVar variation 2417494 (VCV002417494.6), dbSNP rs1480983795, ClinGen allele CA372318414.